The following is an entry in ClinVar:

ClinVar aggregate classification (germline): Likely benign. Review status: criteria provided, single submitter (1 of 4 stars). 2 submissions from 2 submitters: Likely benign (1). 1 of the submissions does not count toward it. Last evaluated 2023-03-22.

Conditions:
PKD1-related disorder. Also called: PKD1-related condition.

Allele frequency attached by ClinVar (database versions not stated): ExAC 0.00010.

Submissions (2):

Blueprint Genetics
Classification: Likely benign. Last evaluated: 2023-03-22. Review status: criteria provided, single submitter. Criteria: ACMG Guidelines, 2015. Collection method: clinical testing. Allele origin: germline.

PreventionGenetics, part of Exact Sciences
Classification: Likely benign for PKD1-related condition. Last evaluated: 2019-07-26. Review status: no assertion criteria provided. Collection method: clinical testing. Allele origin: germline. Not counted in ClinVar's aggregate classification.
Comment: This variant is classified as likely benign based on ACMG/AMP sequence variant interpretation guidelines (Richards et al. 2015 PMID: 25741868, with internal and published modifications).

NM_001009944.3(PKD1):c.7881C>T (p.Asp2627=)

Gene: PKD1 (polycystin 1, transient receptor potential channel interacting; minus strand). Cytogenetic location: 16p13.3.
Variant type: single nucleotide variant.
Coding change: c.7881C>T on transcript NM_001009944.3 (MANE Select); coding-DNA position 7881, C replaced by T.
Protein change: p.Asp2627=; no amino-acid change (aspartic acid 2627 retained).
Molecular consequence: synonymous variant.
Genome position (GRCh38, 1-based): chr16:2,105,457, G>A on the plus strand (C>T on the coding strand, the complement: PKD1 is on the minus strand). VCF-style: chr16-2105457-G-A. GRCh37 (hg19) VCF-style: chr16-2155458-G-A.
Other names: c.7881C>T, p.Asp2627= (NM_000296.4).
Identifiers: ClinVar variation 3034509 (VCV003034509.3), dbSNP rs759121558, ClinGen allele CA7830823.